The following is an entry in ClinVar:

ClinVar aggregate classification (germline): Uncertain significance. Review status: criteria provided, multiple submitters, no conflicts (2 of 4 stars). 2 submissions from 2 submitters: Uncertain significance (2). Last evaluated 2026-09-02.

Conditions:
VCAN-related disorder. Also called: VCAN-related condition.

Allele frequency attached by ClinVar (database versions not stated): TOPMed 0.00001; ExAC 0.00002; gnomAD exomes 0.00002.
gnomAD v4.1: 8 of 1,613,740 alleles (0.0005%); highest among the groups gnomAD compares: Admixed American, 0.013%; no homozygotes.

Submissions (2):

PreventionGenetics, part of Exact Sciences
Classification: Uncertain significance for VCAN-related condition. Last evaluated: 2026-09-02. Review status: criteria provided, single submitter. Criteria: ACMG Guidelines, 2015. Collection method: clinical testing. Allele origin: germline.
Comment: The VCAN c.6719T>C variant is predicted to result in the amino acid substitution p.Met2240Thr. To our knowledge, this variant has not been reported in the literature. This variant is reported in 0.012% of alleles in individuals of Latino descent in gnomAD. At this time, the clinical significance of this variant is uncertain due to the absence of conclusive functional and genetic evidence.

Labcorp Genetics (formerly Invitae), Labcorp
Classification: Uncertain significance. Last evaluated: 2022-08-17. Review status: criteria provided, single submitter. Criteria: Invitae Variant Classification Sherloc (09022015). Collection method: clinical testing. Allele origin: germline.
Comment: This sequence change replaces methionine, which is neutral and non-polar, with threonine, which is neutral and polar, at codon 2240 of the VCAN protein (p.Met2240Thr). This variant is present in population databases (rs747467910, gnomAD 0.01%). This variant has not been reported in the literature in individuals affected with VCAN-related conditions. ClinVar contains an entry for this variant (Variation ID: 1002047). Algorithms developed to predict the effect of missense changes on protein structure and function output the following: SIFT: "Tolerated"; PolyPhen-2: "Benign"; Align-GVGD: "Class C0". The threonine amino acid residue is found in multiple mammalian species, which suggests that this missense change does not adversely affect protein function. In summary, the available evidence is currently insufficient to determine the role of this variant in disease. Therefore, it has been classified as a Variant of Uncertain Significance.

NM_004385.5(VCAN):c.6719T>C (p.Met2240Thr)

Genes: VCAN (versican; plus strand), VCAN-AS1 (VCAN antisense RNA 1; minus strand). Cytogenetic location: 5q14.3.
Variant type: single nucleotide variant.
Coding change: c.6719T>C on transcript NM_004385.5 (MANE Select); coding-DNA position 6719, T replaced by C.
Protein change: p.Met2240Thr; replaces methionine 2240 with threonine.
Molecular consequence: missense variant. On other transcripts: intron variant (2).
Genome position (GRCh38, 1-based): chr5:83,539,722, T>C. VCF-style: chr5-83539722-T-C. GRCh37 (hg19) VCF-style: chr5-82835541-T-C.
Other names: c.6719T>C (NM_004385.4); c.3758T>C, p.Met1253Thr (NM_001164097.2); c.4004-5815T>C (NM_001164098.2); c.1043-5815T>C (NM_001126336.3); short protein forms M1253T, M2240T.
Identifiers: ClinVar variation 1002047 (VCV001002047.9), dbSNP rs747467910, ClinGen allele CA3333518.